The following is an entry in ClinVar:

ClinVar aggregate classification (germline): Conflicting classifications of pathogenicity. Review status: criteria provided, conflicting classifications (1 of 4 stars). 2 submissions from 2 submitters: Likely pathogenic (1); Uncertain significance (1). Last evaluated 2025-01-13.

Conditions:
PKD1-related disorder. Also called: PKD1-related condition.

Submissions (2):

PreventionGenetics, part of Exact Sciences
Classification: Uncertain significance for PKD1-related condition. Last evaluated: 2025-01-13. Review status: criteria provided, single submitter. Criteria: ACMG Guidelines, 2015. Collection method: clinical testing. Allele origin: germline.
Comment: The PKD1 c.8419T>C variant is predicted to result in the amino acid substitution p.Ser2807Pro. This variant was reported in an individual with autosomal dominant polycystic kidney disease (ADPKD) (Supplementary table 2, Yu et al. 2022. PubMed ID: 35778421). This variant has not been reported in a large population database (gnomAD), indicating this variant is rare. At this time, the clinical significance of this variant is uncertain due to the absence of conclusive functional and genetic evidence.

Blueprint Genetics
Classification: Likely pathogenic for PKD1-related disorders. Last evaluated: 2022-10-07. Review status: criteria provided, single submitter. Criteria: ACMG Guidelines, 2015. Collection method: clinical testing. Allele origin: de novo. Affected: yes. Observed: 2 variant alleles.

NM_001009944.3(PKD1):c.8419T>C (p.Ser2807Pro)

Gene: PKD1 (polycystin 1, transient receptor potential channel interacting; minus strand). Cytogenetic location: 16p13.3.
Variant type: single nucleotide variant.
Coding change: c.8419T>C on transcript NM_001009944.3 (MANE Select); coding-DNA position 8419, T replaced by C.
Protein change: p.Ser2807Pro; replaces serine 2807 with proline.
Molecular consequence: missense variant.
Genome position (GRCh38, 1-based): chr16:2,103,638, A>G on the plus strand (T>C on the coding strand, the complement: PKD1 is on the minus strand). VCF-style: chr16-2103638-A-G. GRCh37 (hg19) VCF-style: chr16-2153639-A-G.
Other names: c.8419T>C, p.Ser2807Pro (NM_000296.4); short protein forms S2807P.
Identifiers: ClinVar variation 4927709 (VCV004927709.2).